The following is an entry in ClinVar:

NM_020699.4(GATAD2B):c.1198_1199del (p.Ser400fs)

Gene: GATAD2B (GATA zinc finger domain containing 2B; minus strand). Cytogenetic location: 1q21.3.
Variant type: Microsatellite.
Coding change: c.1198_1199del on transcript NM_020699.4 (MANE Select); coding-DNA positions 1198 to 1199, 2 bases deleted (AG; older notation c.1198_1199delAG).
Protein change: p.Ser400fs; shifts the reading frame from serine 400.
Molecular consequence: frameshift variant.
Genome position (GRCh38, 1-based): chr1:153,816,290-153,816,291, CT deleted on the plus strand (AG on the coding strand, the reverse complement: GATAD2B is on the minus strand); deleting any 2 consecutive bases within chr1:153,816,290-153,816,293 gives the same sequence; the c. name uses the placement nearest the transcript's 3' end. VCF-style (leftmost placement, unchanged base first): chr1-153816289-ACT-A. GRCh37 (hg19) VCF-style: chr1-153788765-ACT-A.
Other names: short protein forms S400fs.
Identifiers: ClinVar variation 916018 (VCV000916018.6), dbSNP rs1674480467, ClinGen allele CA645532340.
Genomic context (GRCh38, chr1:153,816,289, plus strand): 5'-GCAACCACTTGCTTAAATAGATTGATTAGAAGAAACAGCCTTACCTTGGCTGTCAATGAC[ACT>A]CTGTACGACTTCTTCCAAGCCTACCATGTAGATGAACTCGCTATTGGCTGCACTAGGCAA-3'

ClinVar aggregate classification (germline): Pathogenic/Likely pathogenic. Review status: criteria provided, multiple submitters, no conflicts (2 of 4 stars). 4 submissions from 4 submitters: Pathogenic (2); Likely pathogenic (2). Last evaluated 2024-10-08.

Conditions:
Severe intellectual disability-poor language-strabismus-grimacing face-long fingers syndrome (GAND). Also called: GAND SYNDROME. Identifiers: Orphanet 363686, MedGen C3554448, MONDO:0014034, OMIM 615074.

Submissions (4):

Centre of Medical Genetics, University Hospital Muenster
Classification: Pathogenic. Last evaluated: 2024-10-08. Review status: criteria provided, single submitter. Criteria: ACMG Guidelines, 2015. Collection method: clinical testing. Allele origin: de novo. Affected: yes. Observed: 1 variant allele, 1 heterozygote.
Comment: ACMG categories: PVS1,PS2,PM2

Genome-Nilou Lab
Classification: Likely pathogenic for Severe intellectual disability-poor language-strabismus-grimacing face-long fingers syndrome. Last evaluated: 2023-04-11. Review status: criteria provided, single submitter. Criteria: ACMG Guidelines, 2015. Collection method: clinical testing. Allele origin: germline. Affected: no.

Institute of Medical Genetics and Applied Genomics, University Hospital Tübingen
Classification: Likely pathogenic. Last evaluated: 2020-10-23. Review status: criteria provided, single submitter. Criteria: ACMG Guidelines, 2015. Collection method: clinical testing. Allele origin: germline. Inheritance: Autosomal dominant inheritance. Affected: yes.

Centre de Biologie Pathologie Génétique, Centre Hospitalier Universitaire de Lille
Classification: Pathogenic for Mental retardation, autosomal dominant 18. Last evaluated: 2018-01-31. Review status: criteria provided, single submitter. Criteria: ACMG Guidelines, 2015. Collection method: clinical testing. Allele origin: de novo. Inheritance: Autosomal dominant inheritance. Affected: yes.